The following is an entry in ClinVar:

ClinVar aggregate classification (germline): Uncertain significance (1 of 4 stars; one submission).

Submission:

Labcorp Genetics (formerly Invitae), Labcorp
Classification: Uncertain significance. Last evaluated: 2022-10-25. Review status: criteria provided, single submitter. Criteria: Invitae Variant Classification Sherloc (09022015). Collection method: clinical testing. Allele origin: germline.
Comment: This variant is not present in population databases (gnomAD no frequency). This sequence change replaces arginine, which is basic and polar, with serine, which is neutral and polar, at codon 302 of the SETD5 protein (p.Arg302Ser). In summary, the available evidence is currently insufficient to determine the role of this variant in disease. Therefore, it has been classified as a Variant of Uncertain Significance. Advanced modeling of protein sequence and biophysical properties (such as structural, functional, and spatial information, amino acid conservation, physicochemical variation, residue mobility, and thermodynamic stability) performed at Invitae indicates that this missense variant is expected to disrupt SETD5 protein function. This variant has not been reported in the literature in individuals affected with SETD5-related conditions.

NM_001080517.3(SETD5):c.904C>A (p.Arg302Ser)

Gene: SETD5 (SET domain containing 5; plus strand). Cytogenetic location: 3p25.3.
Variant type: single nucleotide variant.
Coding change: c.904C>A on transcript NM_001080517.3 (MANE Select); coding-DNA position 904, C replaced by A.
Protein change: p.Arg302Ser; replaces arginine 302 with serine.
Molecular consequence: missense variant.
Genome position (GRCh38, 1-based): chr3:9,441,686, C>A. VCF-style: chr3-9441686-C-A. GRCh37 (hg19) VCF-style: chr3-9483370-C-A.
Other names: c.610C>A, p.Arg204Ser (NM_001292043.2, NM_001349451.2); short protein forms R204S, R302S.
Identifiers: ClinVar variation 2008201 (VCV002008201.4), dbSNP rs2125187814, ClinGen allele CA351688890.